The following is an entry in ClinVar:

ClinVar aggregate classification (germline): Pathogenic. Review status: criteria provided, multiple submitters, no conflicts (2 of 4 stars). 3 submissions from 3 submitters: Pathogenic (2). 1 of the submissions does not count toward it. Last evaluated 2023-01-23.

Conditions:
Galactosylceramide beta-galactosidase deficiency. Also called: GALACTOCEREBROSIDASE DEFICIENCY; GALC DEFICIENCY; GLOBOID CELL LEUKOENCEPHALOPATHY; Leukodystrophy, Globoid Cell; Krabbe Disease. Identifiers: Orphanet 487, MedGen C0023521, MONDO:0009499, OMIM 245200.

Submissions (3):

Labcorp Genetics (formerly Invitae), Labcorp
Classification: Pathogenic for Galactosylceramide beta-galactosidase deficiency. Last evaluated: 2023-01-23. Review status: criteria provided, single submitter. Criteria: Invitae Variant Classification Sherloc (09022015). Collection method: clinical testing. Allele origin: germline.
Comment: For these reasons, this variant has been classified as Pathogenic. ClinVar contains an entry for this variant (Variation ID: 550993). This variant has not been reported in the literature in individuals affected with GALC-related conditions. This variant is not present in population databases (gnomAD no frequency). This sequence change creates a premature translational stop signal (p.Glu3Glyfs*86) in the GALC gene. It is expected to result in an absent or disrupted protein product. Loss-of-function variants in GALC are known to be pathogenic (PMID: 7437911, 9272171, 16607461).

Baylor Genetics
Classification: Pathogenic for Galactosylceramide beta-galactosidase deficiency. Last evaluated: 2018-02-19. Review status: criteria provided, single submitter. Criteria: ACMG Guidelines, 2015. Collection method: clinical testing. Allele origin: paternal. Affected: yes.
Comment: This variant was determined to be pathogenic according to ACMG Guidelines, 2015 [PMID:25741868].

Counsyl
Classification: Likely pathogenic for Galactosylceramide beta-galactosidase deficiency. Last evaluated: 2017-03-08. Review status: no assertion criteria provided. Collection method: clinical testing. Allele origin: unknown. Not counted in ClinVar's aggregate classification.

Literature cited by the submitters: PubMed 7437911 (cited by Labcorp Genetics (formerly Invitae), Labcorp); PubMed 9272171 (cited by Labcorp Genetics (formerly Invitae), Labcorp); PubMed 16607461 (cited by Labcorp Genetics (formerly Invitae), Labcorp).

NM_000153.4(GALC):c.7dup (p.Glu3fs)

Gene: GALC (galactosylceramidase; minus strand). Cytogenetic location: 14q31.3.
Variant type: Duplication.
Coding change: c.7dup on transcript NM_000153.4 (MANE Select); coding-DNA position 7, one base duplicated (G; older notation c.7dupG).
Protein change: p.Glu3fs; shifts the reading frame from glutamic acid 3.
Molecular consequence: frameshift variant. On other transcripts: intron variant (1).
Genome position (GRCh38, 1-based): chr14:87,993,158, C duplicated on the plus strand (G on the coding strand, the reverse complement: GALC is on the minus strand). VCF-style (leftmost placement, unchanged base first): chr14-87993157-T-TC. GRCh37 (hg19) VCF-style: chr14-88459501-T-TC.
Other names: c.7dup, p.Glu3fs (NM_001201401.2); c.117+225dup (NM_001201402.2); c.7dupG (NM_000153.3); short protein forms E3fs.
Identifiers: ClinVar variation 550993 (VCV000550993.6), dbSNP rs1555384381, ClinGen allele CA658823922.